The following is an entry in ClinVar:

NM_170606.3(KMT2C):c.1166A>G (p.Lys389Arg)

Genes: KMT2C (lysine methyltransferase 2C; minus strand), LOC123956272 (Sharpr-MPRA regulatory region 15588; plus strand). Cytogenetic location: 7q36.1.
Variant type: single nucleotide variant.
Coding change: c.1166A>G on transcript NM_170606.3 (MANE Select); coding-DNA position 1166, A replaced by G.
Protein change: p.Lys389Arg; replaces lysine 389 with arginine.
Molecular consequence: missense variant.
Genome position (GRCh38, 1-based): chr7:152,265,056, T>C on the plus strand (A>G on the coding strand, the complement: KMT2C is on the minus strand). VCF-style: chr7-152265056-T-C. GRCh37 (hg19) VCF-style: chr7-151962141-T-C.
Other names: short protein forms K389R.
Identifiers: ClinVar variation 4055969 (VCV004055969.1).

ClinVar aggregate classification (germline): Uncertain significance (1 of 4 stars; one submission).

Submission:

GeneDx
Classification: Uncertain significance. Last evaluated: 2025-01-05. Review status: criteria provided, single submitter. Criteria: GeneDx Variant Classification Process June 2021. Collection method: clinical testing. Allele origin: germline. Affected: yes.
Comment: Not observed at significant frequency in large population cohorts (gnomAD); In silico analysis indicates that this missense variant does not alter protein structure/function; Has not been previously published as pathogenic or benign to our knowledge